The following is an entry in ClinVar:

ClinVar aggregate classification (germline): Likely pathogenic (1 of 4 stars; one submission).

Conditions:
Dilated cardiomyopathy 1G (CMD1G). Identifiers: Orphanet 154, MedGen C1858763, MONDO:0011400, OMIM 604145.
Autosomal recessive limb-girdle muscular dystrophy type 2J (LGMDR10). Also called: MUSCULAR DYSTROPHY, LIMB-GIRDLE, AUTOSOMAL RECESSIVE 10; Limb-girdle muscular dystrophy, type 2J. Identifiers: Orphanet 140922, MedGen C1837342, MONDO:0012127, OMIM 608807.

Submission:

Labcorp Genetics (formerly Invitae), Labcorp
Classification: Likely pathogenic for Dilated cardiomyopathy 1G; Autosomal recessive limb-girdle muscular dystrophy type 2J. Last evaluated: 2022-03-08. Review status: criteria provided, single submitter. Criteria: Invitae Variant Classification Sherloc (09022015). Collection method: clinical testing. Allele origin: germline.
Comment: This variant has not been reported in the literature in individuals affected with TTN-related conditions. In summary, the currently available evidence indicates that the variant is pathogenic, but additional data are needed to prove that conclusively. Therefore, this variant has been classified as Likely Pathogenic. Retrotransposon insertions including LINE1 (L1), Alu, and SVA (SINE-VNTR-Alu) have been reported to disrupt protein function (PMID: 19763152, 20307669, 22406018). However the effect of this particular variant is unknown. This variant is located in the A band of TTN (PMID: 25589632). Truncating variants in this region are significantly overrepresented in patients affected with dilated cardiomyopathy (PMID: 25589632). Truncating variants in this region have also been reported in individuals affected with autosomal recessive centronuclear myopathy (PMID: 23975875). This variant is not present in population databases (gnomAD no frequency). This sequence change inserts a large fragment of DNA, likely a transposable element, in exon 339 of the TTN gene (c.93784_93785ins?), causing a frameshift at codon 31262 (p.Val31262fs). The exact size and sequence of the insertion cannot be determined by the current assay. While this is not anticipated to result in nonsense mediated decay, it is expected to create a truncated TTN protein.

Literature cited by the submitters: PubMed 19763152; PubMed 20307669; PubMed 22406018; PubMed 25589632; PubMed 23975875.

NM_001267550.2(TTN):c.93784_93785insCTCCCTCTCCCGTCTCCCTCTCCCTCTCCCGTCTCCCTCTCCCTCTCCCGTCTCCCTCTCCCTCTCCCGTCTCCNNNNNNNNNNAAAAAAAAAAAAAAAAAAAAAAAGAGACAGATCGAG (p.Arg31261_Val31262insAlaProSerProValSerLeuSerLeuSerArgLeuProLeuProLeuProSerProSerProSerProValSerXaaXaaXaaXaaLysLysLysLysLysLysLysGluThrAspArg)

Genes: TTN (titin; minus strand), TTN-AS1 (TTN antisense RNA 1; plus strand). Cytogenetic location: 2q31.2.
Variant type: Insertion.
Coding change: c.93784_93785insCTCCCTCTCCCGTCTCCCTCTCCCTCTCCCGTCTCCCTCTCCCTCTCCCGTCTCCCTCTCCCTCTCCCGTCTCCNNNNNNNNNNAAAAAAAAAAAAAAAAAAAAAAAGAGACAGATCGAG on transcript NM_001267550.2 (MANE Select); coding-DNA positions 93784 to 93785, CTCCCTCTCCCGTCTCCCTCTCCCTCTCCCGTCTCCCTCTCCCTCTCCCGTCTCCCTCTCCCTCTCCCGTCTCCNNNNNNNNNNAAAAAAAAAAAAAAAAAAAAAAAGAGACAGATCGAG inserted.
Protein change: p.Arg31261_Val31262insAlaProSerProValSerLeuSerLeuSerArgLeuProLeuProLeuProSerProSerProSerProValSerXaaXaaXaaXaaLysLysLysLysLysLysLysGluThrAspArg.
Molecular consequence: inframe insertion.
Genome position: GRCh38: chr2:178,547,857-178,547,858. GRCh37 (hg19): chr2:179,412,584-179,412,585.
Other names: c.88861_88862insCTCCCTCTCCCGTCTCCCTCTCCCTCTCCCGTCTCCCTCTCCCTCTCCCGTCTCCCTCTCCCTCTCCCGTCTCCNNNNNNNNNNAAAAAAAAAAAAAAAAAAAAAAAGAGACAGATCGAG, p.Arg29620_Val29621insAlaProSerProValSerLeuSerLeuSerArgLeuProLeuProLeuProSerProSerProSerProValSerXaaXaaXaaXaaLysLysLysLysLysLysLysGluThrAspArg (NM_001256850.1); c.66589_66590insCTCCCTCTCCCGTCTCCCTCTCCCTCTCCCGTCTCCCTCTCCCTCTCCCGTCTCCCTCTCCCTCTCCCGTCTCCNNNNNNNNNNAAAAAAAAAAAAAAAAAAAAAAAGAGACAGATCGAG, p.Arg22196_Val22197insAlaProSerProValSerLeuSerLeuSerArgLeuProLeuProLeuProSerProSerProSerProValSerXaaXaaXaaXaaLysLysLysLysLysLysLysGluThrAspArg (NM_003319.4); c.86080_86081insCTCCCTCTCCCGTCTCCCTCTCCCTCTCCCGTCTCCCTCTCCCTCTCCCGTCTCCCTCTCCCTCTCCCGTCTCCNNNNNNNNNNAAAAAAAAAAAAAAAAAAAAAAAGAGACAGATCGAG, p.Arg28693_Val28694insAlaProSerProValSerLeuSerLeuSerArgLeuProLeuProLeuProSerProSerProSerProValSerXaaXaaXaaXaaLysLysLysLysLysLysLysGluThrAspArg (NM_133378.4); c.66964_66965insCTCCCTCTCCCGTCTCCCTCTCCCTCTCCCGTCTCCCTCTCCCTCTCCCGTCTCCCTCTCCCTCTCCCGTCTCCNNNNNNNNNNAAAAAAAAAAAAAAAAAAAAAAAGAGACAGATCGAG, p.Arg22321_Val22322insAlaProSerProValSerLeuSerLeuSerArgLeuProLeuProLeuProSerProSerProSerProValSerXaaXaaXaaXaaLysLysLysLysLysLysLysGluThrAspArg (NM_133432.3); c.67165_67166insCTCCCTCTCCCGTCTCCCTCTCCCTCTCCCGTCTCCCTCTCCCTCTCCCGTCTCCCTCTCCCTCTCCCGTCTCCNNNNNNNNNNAAAAAAAAAAAAAAAAAAAAAAAGAGACAGATCGAG, p.Arg22388_Val22389insAlaProSerProValSerLeuSerLeuSerArgLeuProLeuProLeuProSerProSerProSerProValSerXaaXaaXaaXaaLysLysLysLysLysLysLysGluThrAspArg (NM_133437.4).
Identifiers: ClinVar variation 1476661 (VCV001476661.6), dbSNP rs2154146971.